The following is an entry in ClinVar:

NM_022489.4(INF2):c.69G>A (p.Ser23=)

Gene: INF2 (inverted formin 2; plus strand). Cytogenetic location: 14q32.33.
Variant type: single nucleotide variant.
Coding change: c.69G>A on transcript NM_022489.4 (MANE Select); coding-DNA position 69, G replaced by A.
Protein change: p.Ser23=; no amino-acid change (serine 23 retained).
Molecular consequence: synonymous variant.
Genome position (GRCh38, 1-based): chr14:104,701,434, G>A. VCF-style: chr14-104701434-G-A. GRCh37 (hg19) VCF-style: chr14-105167771-G-A.
Other names: c.69G>A, p.Ser23= (NM_001031714.4, NM_032714.3); c.69G>A (NM_022489.3).
Identifiers: ClinVar variation 2050106 (VCV002050106.5), dbSNP rs776576331, ClinGen allele CA7372226.

ClinVar aggregate classification (germline): Likely benign. Review status: criteria provided, multiple submitters, no conflicts (2 of 4 stars). 2 submissions from 2 submitters: Likely benign (2). Last evaluated 2026-07-15.

Conditions:
INF2-related disorder. Also called: INF2-related condition.
Focal segmental glomerulosclerosis 5 (FSGS5). Identifiers: Orphanet 656, MedGen C2750475, MONDO:0013191, OMIM 613237.
Charcot-Marie-Tooth disease dominant intermediate E. Also called: CHARCOT-MARIE-TOOTH NEUROPATHY WITH FOCAL SEGMENTAL GLOMERULONEPHRITIS. Identifiers: Orphanet 93114, MedGen C4302667, MONDO:0013758, OMIM 614455.

Allele frequency attached by ClinVar (database versions not stated): ExAC 0.00002; gnomAD 0.00003; TOPMed 0.00005.
gnomAD v4.1: 24 of 1,595,448 alleles (0.0015%); highest among the groups gnomAD compares: East Asian, 0.027%; no homozygotes.

Submissions (2):

PreventionGenetics, part of Exact Sciences
Classification: Likely benign for INF2-related condition. Last evaluated: 2026-07-15. Review status: criteria provided, single submitter. Criteria: ACMG Guidelines, 2015. Collection method: clinical testing. Allele origin: germline.
Comment: This variant is classified as likely benign based on ACMG/AMP sequence variant interpretation guidelines (Richards et al. 2015 PMID: 25741868, with internal and published modifications).

Labcorp Genetics (formerly Invitae), Labcorp
Classification: Likely benign for Charcot-Marie-Tooth disease dominant intermediate E; Focal segmental glomerulosclerosis 5. Last evaluated: 2024-03-16. Review status: criteria provided, single submitter. Criteria: Invitae Variant Classification Sherloc (09022015). Collection method: clinical testing. Allele origin: germline.